The following is an entry in ClinVar:

ClinVar aggregate classification (germline): Conflicting classifications of pathogenicity. Review status: criteria provided, conflicting classifications (1 of 4 stars). 3 submissions from 3 submitters: Uncertain significance (2); Benign (1). Last evaluated 2023-02-01.

Conditions:
Glycogen storage disease type III (GSD3). Also called: Cori disease; FORBES DISEASE. Identifiers: Orphanet 366, MedGen C0017922, MONDO:0009291, OMIM 232400.

Allele frequency attached by ClinVar (database versions not stated): 1000 Genomes Project 0.00519; 1000 Genomes Project 30x 0.00609; gnomAD 0.00917 and 0.00930; TOPMed 0.00953.

Submissions (3):

CeGaT Center for Human Genetics Tuebingen
Classification: Benign. Last evaluated: 2023-02-01. Review status: criteria provided, single submitter. Criteria: CeGaT Center For Human Genetics Tuebingen Variant Classification Criteria Version 2. Collection method: clinical testing. Allele origin: germline. Affected: yes. Observed: 6 variant alleles.
Comment: AGL: BS1, BS2

Illumina Laboratory Services, Illumina
Classification: Uncertain significance for Glycogen storage disease type III. Last evaluated: 2018-01-13. Review status: criteria provided, single submitter. Criteria: ICSL Variant Classification Criteria 13 December 2019. Collection method: clinical testing. Allele origin: germline.

Breakthrough Genomics
Classification: Uncertain significance. Review status: criteria provided, single submitter. Criteria: ACMG Guidelines, 2015. Collection method: not provided. Allele origin: germline. Inheritance: Autosomal recessive inheritance. Affected: yes.

NM_000642.3(AGL):c.*2058G>A

Gene: AGL (amylo-alpha-1,6-glucosidase and 4-alpha-glucanotransferase; plus strand). Cytogenetic location: 1p21.2.
Variant type: single nucleotide variant.
Coding change: c.*2058G>A on transcript NM_000642.3 (MANE Select); 2058 bases downstream of the stop codon, G replaced by A.
Molecular consequence: 3 prime UTR variant.
Genome position (GRCh38, 1-based): chr1:99,923,709, G>A. VCF-style: chr1-99923709-G-A. GRCh37 (hg19) VCF-style: chr1-100389265-G-A.
Other names: c.*2058G>A (NM_000028.3, NM_000643.3, NM_000644.3 and 7 more transcripts).
Identifiers: ClinVar variation 874238 (VCV000874238.36), dbSNP rs12117747, ClinGen allele CA10970314.